The following is an entry in ClinVar:

NM_000535.7(PMS2):c.830_831insA (p.His278fs)

Gene: PMS2 (PMS1 homolog 2, mismatch repair system component; minus strand). Cytogenetic location: 7p22.1.
Variant type: Insertion.
Coding change: c.830_831insA on transcript NM_000535.7 (MANE Select); coding-DNA positions 830 to 831, A inserted.
Protein change: p.His278fs; shifts the reading frame from histidine 278.
Molecular consequence: frameshift variant. On other transcripts: 5 prime UTR variant (2), non-coding transcript variant (1).
Genome position: GRCh38 VCF-style: chr7-5995606-C-CT. GRCh37 (hg19) VCF-style: chr7-6035237-C-CT.
Other names: c.425_426insA, p.His143Alafs (NM_001018040.1, NM_001406887.1, NM_001406888.1 and 15 more transcripts); c.425_426insA, p.His143fs (NM_001322003.2, NM_001322004.2, NM_001322005.2 and 2 more transcripts); c.830_831insA, p.His278fs (NM_001322006.2, NM_001322014.2); c.512_513insA, p.His172fs (NM_001322007.2, NM_001322008.2); c.-104_-103insA (NM_001322011.2, NM_001322012.2); c.257_258insA, p.His87fs (NM_001322013.2); c.521_522insA, p.His175fs (NM_001322015.2); c.1016_1017insA, p.His340Alafs (NM_001406866.1); and 9 more; short protein forms H143fs, H278fs, H175fs, H172fs, H87fs.
Identifiers: ClinVar variation 1762839 (VCV001762839.2), dbSNP rs2536153335, ClinGen allele CA2580076807.
Genomic context (GRCh38, chr7:5,995,606, plus strand): 5'-ACAAGGCCGCCGGTTGATAAAGAAAAACTGTCTGTCTGTTGAACTCCTTCCAACTCCATG[C>CT]GTGCATTGTGAAATGAAACCTGAGATGCTATTCAACATTAATATGGTAAGGGCAGGATTC-3'

ClinVar aggregate classification (germline): Pathogenic (1 of 4 stars; one submission).

Conditions:
Hereditary cancer-predisposing syndrome. Also called: Neoplastic Syndromes, Hereditary; Tumor predisposition; Hereditary Cancer Syndrome; Hereditary neoplastic syndrome. Identifiers: Orphanet 140162, MedGen C0027672, MeSH D009386, MONDO:0015356.

Submission:

Ambry Genetics
Classification: Pathogenic for Hereditary cancer-predisposing syndrome. Last evaluated: 2022-04-25. Review status: criteria provided, single submitter. Criteria: Ambry Variant Classification Scheme 2023. Collection method: clinical testing. Allele origin: germline.
Comment: The c.830_831insA pathogenic mutation, located in coding exon 8 of the PMS2 gene, results from an insertion of one nucleotide at position 830, causing a translational frameshift with a predicted alternate stop codon (p.H278Afs*21). This alteration is expected to result in loss of function by premature protein truncation or nonsense-mediated mRNA decay. As such, this alteration is interpreted as a disease-causing mutation.